The following is an entry in ClinVar:

ClinVar aggregate classification (germline): Uncertain significance (1 of 4 stars; one submission).

Conditions:
Dilated cardiomyopathy 1O (CMD1O). Also called: CARDIOMYOPATHY, DILATED, WITH VENTRICULAR TACHYCARDIA. Identifiers: Orphanet 154, MedGen C1837839, MONDO:0012062, OMIM 608569.

Submission:

Labcorp Genetics (formerly Invitae), Labcorp
Classification: Uncertain significance for Dilated cardiomyopathy 1O. Last evaluated: 2020-09-11. Review status: criteria provided, single submitter. Criteria: Invitae Variant Classification Sherloc (09022015). Collection method: clinical testing. Allele origin: germline.
Comment: In summary, the available evidence is currently insufficient to determine the role of this variant in disease. Therefore, it has been classified as a Variant of Uncertain Significance. Algorithms developed to predict the effect of missense changes on protein structure and function are either unavailable or do not agree on the potential impact of this missense change (SIFT: "Deleterious"; PolyPhen-2: "Possibly Damaging"; Align-GVGD: "Class C0"). This variant has not been reported in the literature in individuals with ABCC9-related conditions. This variant is not present in population databases (ExAC no frequency). This sequence change replaces serine with arginine at codon 1350 of the ABCC9 protein (p.Ser1350Arg). The serine residue is moderately conserved and there is a moderate physicochemical difference between serine and arginine.

NM_020297.4(ABCC9):c.4050T>G (p.Ser1350Arg)

Genes: ABCC9 (ATP binding cassette subfamily C member 9; minus strand), KCNJ8-AS1 (KCNJ8 antisense RNA 1; plus strand). Cytogenetic location: 12p12.1.
Variant type: single nucleotide variant.
Coding change: c.4050T>G on transcript NM_020297.4 (MANE Select); coding-DNA position 4050, T replaced by G.
Protein change: p.Ser1350Arg; replaces serine 1350 with arginine.
Molecular consequence: missense variant.
Genome position (GRCh38, 1-based): chr12:21,814,696, A>C on the plus strand (T>G on the coding strand, the complement: ABCC9 is on the minus strand). VCF-style: chr12-21814696-A-C. GRCh37 (hg19) VCF-style: chr12-21967630-A-C.
Other names: c.4050T>G, p.Ser1350Arg (NM_001377273.1, NM_005691.4); c.3183T>G, p.Ser1061Arg (NM_001377274.1); short protein forms S1061R, S1350R.
Identifiers: ClinVar variation 1018139 (VCV001018139.8), dbSNP rs1942487151, ClinGen allele CA384135357.